The following is an entry in ClinVar:

ClinVar aggregate classification (germline): Pathogenic (1 of 4 stars; one submission).

Submission:

Labcorp Genetics (formerly Invitae), Labcorp
Classification: Pathogenic. Last evaluated: 2022-06-13. Review status: criteria provided, single submitter. Criteria: Invitae Variant Classification Sherloc (09022015). Collection method: clinical testing. Allele origin: germline.
Comment: A gross deletion of the genomic region encompassing the full coding sequence of the RUNX2 gene has been identified. Loss-of-function variants in RUNX2 are known to be pathogenic (PMID: 10521292, 11857736). The boundaries of this event are unknown as they extend beyond the assayed region for this gene and therefore may encompass additional genes. A similar copy number variant has been observed in individual(s) with cleidocranial dysplasia (PMID: 20648631, 29498969). For these reasons, this variant has been classified as Pathogenic.

Literature cited by the submitters: PubMed 10521292; PubMed 11857736; PubMed 20648631; PubMed 29498969.

NC_000006.11:g.(?_45296464)_(46047979_?)del

Genes: CLIC5 (chloride intracellular channel 5; minus strand), RUNX2 (RUNX family transcription factor 2; plus strand), SUPT3H (SPT3 homolog, SAGA and STAGA complex component; minus strand). Cytogenetic location: 6p21.1.
Variant type: Deletion.
Identifiers: ClinVar variation 1075907 (VCV001075907.7).